The following is an entry in ClinVar:

ClinVar aggregate classification (germline): Uncertain significance (1 of 4 stars; one submission).

Conditions:
Immunodeficiency-centromeric instability-facial anomalies syndrome 2 (ICF2). Identifiers: Orphanet 2268, MedGen C3279748, MONDO:0013553, OMIM 614069.

Submission:

Labcorp Genetics (formerly Invitae), Labcorp
Classification: Uncertain significance for Immunodeficiency-centromeric instability-facial anomalies syndrome 2. Last evaluated: 2024-08-06. Review status: criteria provided, single submitter. Criteria: Invitae Variant Classification Sherloc (09022015). Collection method: clinical testing. Allele origin: germline.
Comment: This sequence change replaces serine, which is neutral and polar, with arginine, which is basic and polar, at codon 475 of the ZBTB24 protein (p.Ser475Arg). This variant is present in population databases (rs780387485, gnomAD 0.0009%). This variant has not been reported in the literature in individuals affected with ZBTB24-related conditions. An algorithm developed to predict the effect of missense changes on protein structure and function (PolyPhen-2) suggests that this variant is likely to be disruptive. In summary, the available evidence is currently insufficient to determine the role of this variant in disease. Therefore, it has been classified as a Variant of Uncertain Significance.

NM_014797.3(ZBTB24):c.1425T>G (p.Ser475Arg)

Gene: ZBTB24 (zinc finger and BTB domain containing 24; minus strand). Cytogenetic location: 6q21.
Variant type: single nucleotide variant.
Coding change: c.1425T>G on transcript NM_014797.3 (MANE Select); coding-DNA position 1425, T replaced by G.
Protein change: p.Ser475Arg; replaces serine 475 with arginine.
Molecular consequence: missense variant.
Genome position (GRCh38, 1-based): chr6:109,466,520, A>C on the plus strand (T>G on the coding strand, the complement: ZBTB24 is on the minus strand). VCF-style: chr6-109466520-A-C. GRCh37 (hg19) VCF-style: chr6-109787723-A-C.
Other names: short protein forms S475R.
Identifiers: ClinVar variation 3718838 (VCV003718838.1).
Genomic context (GRCh38, chr6:109,466,520, plus strand): 5'-ACACTCAGGGCAGGAGAAAGGCTTCTTGCCAGTGTGTAGAATGCAGTGTCTCCTTTTGGC[A>C]CTGGAGTCAGAGAAGGATTTGCCACAAATGCCACAGGAGTATGGCTTTTCTCCTCTGTAA-3'
Protein context (NP_055612.2, residues 465-485): GICGKSFSDS[Ser475Arg]AKRRHCILHT